The following is an entry in ClinVar:

ClinVar aggregate classification (germline): Conflicting classifications of pathogenicity. Review status: criteria provided, conflicting classifications (1 of 4 stars). 6 submissions from 6 submitters: Uncertain significance (5); Likely benign (1). Last evaluated 2024-02-23.

Conditions:
Hereditary breast ovarian cancer syndrome. Also called: Hereditary breast and ovarian cancer; Hereditary breast and ovarian cancer syndrome; Breast and ovarian cancer; Hereditary breast and ovarian cancer syndrome (HBOC); Hereditary breast and/or ovarian cancer syndrome; BRCA1- and BRCA2-Associated Hereditary Breast and Ovarian Cancer. Identifiers: Orphanet 145, MedGen C0677776, MeSH D061325, MONDO:0003582. Disease mechanism: loss of function.
Hereditary cancer-predisposing syndrome. Also called: Hereditary Cancer Syndrome; Neoplastic Syndromes, Hereditary; Tumor predisposition; Hereditary neoplastic syndrome. Identifiers: Orphanet 140162, MedGen C0027672, MeSH D009386, MONDO:0015356.
Breast-ovarian cancer, familial, susceptibility to, 2 (BROVCA2). Also called: BRCA2 Hereditary Breast and Ovarian Cancer. Identifiers: Orphanet 145, MedGen C2675520, MONDO:0012933, OMIM 612555. Disease mechanism: loss of function.

Allele frequency attached by ClinVar (database versions not stated): TOPMed below 0.00001.
gnomAD v4.1: 2 of 1,611,966 alleles (0.00012%); highest among the groups gnomAD compares: Non-Finnish European, 0.00017%; no homozygotes.

Submissions (6):

Labcorp Genetics (formerly Invitae), Labcorp
Classification: Uncertain significance for Hereditary breast ovarian cancer syndrome. Last evaluated: 2024-02-23. Review status: criteria provided, single submitter. Criteria: Invitae Variant Classification Sherloc (09022015). Collection method: clinical testing. Allele origin: germline.
Comment: This sequence change replaces isoleucine, which is neutral and non-polar, with valine, which is neutral and non-polar, at codon 591 of the BRCA2 protein (p.Ile591Val). This variant is not present in population databases (gnomAD no frequency). This variant has not been reported in the literature in individuals affected with BRCA2-related conditions. ClinVar contains an entry for this variant (Variation ID: 187202). Advanced modeling of protein sequence and biophysical properties (such as structural, functional, and spatial information, amino acid conservation, physicochemical variation, residue mobility, and thermodynamic stability) performed at Invitae indicates that this missense variant is not expected to disrupt BRCA2 protein function with a negative predictive value of 95%. In summary, the available evidence is currently insufficient to determine the role of this variant in disease. Therefore, it has been classified as a Variant of Uncertain Significance.

Ambry Genetics
Classification: Uncertain significance for Hereditary cancer-predisposing syndrome. Last evaluated: 2024-02-15. Review status: criteria provided, single submitter. Criteria: Ambry Variant Classification Scheme 2023. Collection method: clinical testing. Allele origin: germline.
Comment: The p.I591V variant (also known as c.1771A>G), located in coding exon 9 of the BRCA2 gene, results from an A to G substitution at nucleotide position 1771. The isoleucine at codon 591 is replaced by valine, an amino acid with highly similar properties. This amino acid position is well conserved in available vertebrate species. In addition, this alteration is predicted to be tolerated by in silico analysis. Based on the available evidence, the clinical significance of this alteration remains unclear.

All of Us Research Program, National Institutes of Health
Classification: Uncertain significance for Breast-ovarian cancer, familial, susceptibility to, 2. Last evaluated: 2023-09-04. Review status: criteria provided, single submitter. Criteria: ACMG Guidelines, 2015. Collection method: clinical testing. Allele origin: germline. Inheritance: Autosomal dominant inheritance. Observed: 1 variant allele, 1 heterozygote.
Comment: This missense variant replaces isoleucine with valine at codon 591 of the BRCA2 protein. Computational prediction suggests that this variant may not impact protein structure and function (internally defined REVEL score threshold <= 0.5, PMID: 27666373). To our knowledge, functional studies have not been reported for this variant. This variant has not been reported in individuals affected with BRCA2-related disorders in the literature. This variant has not been identified in the general population by the Genome Aggregation Database (gnomAD). The available evidence is insufficient to determine the role of this variant in disease conclusively. Therefore, this variant is classified as a Variant of Uncertain Significance.

This study involves interpretation of variants in research participants for the purpose of population health screening. Participant phenotype was not available at the time of variant classification. Additional details can be found in publication PMID: 35346344, PMCID: PMC8962531

Color Diagnostics, LLC DBA Color Health
Classification: Uncertain significance for Hereditary cancer-predisposing syndrome. Last evaluated: 2023-08-23. Review status: criteria provided, single submitter. Criteria: ACMG Guidelines, 2015. Collection method: clinical testing. Allele origin: germline.
Comment: This missense variant replaces isoleucine with valine at codon 591 of the BRCA2 protein. Computational prediction suggests that this variant may not impact protein structure and function (internally defined REVEL score threshold <= 0.5, PMID: 27666373). To our knowledge, functional studies have not been reported for this variant. This variant has not been reported in individuals affected with BRCA2-related disorders in the literature. This variant has not been identified in the general population by the Genome Aggregation Database (gnomAD). The available evidence is insufficient to determine the role of this variant in disease conclusively. Therefore, this variant is classified as a Variant of Uncertain Significance.

University of Washington Department of Laboratory Medicine, University of Washington
Classification: Likely benign for Hereditary cancer-predisposing syndrome. Last evaluated: 2023-03-23. Review status: criteria provided, single submitter. Criteria: Dines et al. (Genet Med. 2020). Collection method: curation. Allele origin: germline.
Comment: Missense variant in a coldspot region where missense variants are very unlikely to be pathogenic (PMID:31911673).

BRCA2 exon 10 coldspot. Reclassification based on statistical prior probability.

GeneDx
Classification: Uncertain significance. Last evaluated: 2022-05-24. Review status: criteria provided, single submitter. Criteria: GeneDx Variant Classification Process June 2021. Collection method: clinical testing. Allele origin: germline. Affected: yes.
Comment: Not observed at significant frequency in large population cohorts (gnomAD); In silico analysis supports that this missense variant does not alter protein structure/function; Has not been previously published as pathogenic or benign to our knowledge; Also known as 1999A>G

NM_000059.4(BRCA2):c.1771A>G (p.Ile591Val)

Gene: BRCA2 (BRCA2 DNA repair associated; plus strand). Cytogenetic location: 13q13.1.
Variant type: single nucleotide variant.
Coding change: c.1771A>G on transcript NM_000059.4 (MANE Select); coding-DNA position 1771, A replaced by G.
Protein change: p.Ile591Val; replaces isoleucine 591 with valine.
Molecular consequence: missense variant.
Genome position (GRCh38, 1-based): chr13:32,333,249, A>G. VCF-style: chr13-32333249-A-G. GRCh37 (hg19) VCF-style: chr13-32907386-A-G.
Other names: short protein forms I591V.
Identifiers: ClinVar variation 187202 (VCV000187202.24), dbSNP rs786203548, ClinGen allele CA013165.
Genomic context (GRCh38, chr13:32,333,249, plus strand): 5'-TCTGTAGCTTTGAAGAATGCAGGTTTAATATCCACTTTGAAAAAGAAAACAAATAAGTTT[A>G]TTTATGCTATACATGATGAAACATCTTATAAAGGAAAAAAAATACCGAAAGACCAAAAAT-3'
Protein context (NP_000050.3, residues 581-601): STLKKKTNKF[Ile591Val]YAIHDETSYK